The following is an entry in ClinVar:

NM_000368.5(TSC1):c.2112T>A (p.Tyr704Ter)

Gene: TSC1 (TSC complex subunit 1; minus strand). Cytogenetic location: 9q34.13.
Variant type: single nucleotide variant.
Coding change: c.2112T>A on transcript NM_000368.5 (MANE Select); coding-DNA position 2112, T replaced by A.
Protein change: p.Tyr704Ter; replaces tyrosine 704 with a stop codon.
Molecular consequence: nonsense.
Genome position (GRCh38, 1-based): chr9:132,903,747, A>T on the plus strand (T>A on the coding strand, the complement: TSC1 is on the minus strand). VCF-style: chr9-132903747-A-T. GRCh37 (hg19) VCF-style: chr9-135779134-A-T.
Other names: c.2109T>A, p.Tyr703Ter (NM_001162426.2); c.1959T>A, p.Tyr653Ter (NM_001162427.2); c.1749T>A, p.Tyr583Ter (NM_001362177.2); short protein forms Y704*, Y653*, Y703*, Y583*.
Identifiers: ClinVar variation 48906 (VCV000048906.30), dbSNP rs118203646, ClinGen allele CA006056.

ClinVar aggregate classification (germline): Pathogenic. Review status: criteria provided, single submitter (1 of 4 stars). 3 submissions from 3 submitters: Pathogenic (1). 2 of the submissions do not count toward it. Last evaluated 2023-05-01.

Conditions:
Tuberous sclerosis syndrome (TSC). Also called: Tuberous Sclerosis Complex; Tuberous sclerosis. Identifiers: Orphanet 805, MedGen C0041341, MONDO:0001734.
Tuberous sclerosis 1 (TSC1). Identifiers: Orphanet 805, MedGen C1854465, MONDO:0008612, OMIM 191100.

Submissions (3):

CeGaT Center for Human Genetics Tuebingen
Classification: Pathogenic. Last evaluated: 2023-05-01. Review status: criteria provided, single submitter. Criteria: CeGaT Center For Human Genetics Tuebingen Variant Classification Criteria Version 2. Collection method: clinical testing. Allele origin: germline. Affected: yes. Observed: 1 variant allele.
Comment: TSC1: PVS1, PM2

Division of Genomic Medicine, Department of Advanced Medicine, Medical Research Institute, Kanazawa Medical University
Classification: Pathogenic for Tuberous sclerosis 1. Last evaluated: 2020-06-09. Review status: no assertion criteria provided. Collection method: clinical testing. Allele origin: germline. Affected: yes. Observed: 1 variant allele. Not counted in ClinVar's aggregate classification.

Tuberous sclerosis database (TSC1)
No classification provided. Condition: TSC. Review status: no classification provided. Criteria: Tuberous Sclerosis Database Assertion Criteria 2015. Collection method: curation. Allele origin: germline. Affected: yes. Not counted in ClinVar's aggregate classification.